The following is an entry in ClinVar:

NM_001386298.1(CIC):c.2022G>A (p.Thr674=)

Gene: CIC (capicua transcriptional repressor; plus strand). Cytogenetic location: 19q13.2.
Variant type: single nucleotide variant.
Coding change: c.2022G>A on transcript NM_001386298.1 (MANE Select); coding-DNA position 2022, G replaced by A.
Protein change: p.Thr674=; no amino-acid change (threonine 674 retained).
Molecular consequence: synonymous variant.
Genome position (GRCh38, 1-based): chr19:42,273,805, G>A. VCF-style: chr19-42273805-G-A. GRCh37 (hg19) VCF-style: chr19-42777957-G-A.
Other names: c.2022G>A, p.Thr674= (NM_001304815.2, NM_001379480.1, NM_001379482.1 and 1 more transcripts).
Identifiers: ClinVar variation 2649962 (VCV002649962.25), dbSNP rs532437499, ClinGen allele CA308615630.

ClinVar aggregate classification (germline): Likely benign. Review status: criteria provided, single submitter (1 of 4 stars). 2 submissions from 2 submitters: Likely benign (1). 1 of the submissions does not count toward it. Last evaluated 2022-04-01.

Conditions:
CIC-related disorder. Also called: CIC-related condition.

Allele frequency attached by ClinVar (database versions not stated): gnomAD exomes 0.00013; 1000 Genomes Project 30x 0.00016; gnomAD 0.00017; 1000 Genomes Project 0.00020; TOPMed 0.00020.

Submissions (2):

CeGaT Center for Human Genetics Tuebingen
Classification: Likely benign. Last evaluated: 2022-04-01. Review status: criteria provided, single submitter. Criteria: CeGaT Center For Human Genetics Tuebingen Variant Classification Criteria Version 2. Collection method: clinical testing. Allele origin: germline. Affected: yes. Observed: 1 variant allele.
Comment: CIC: BP4, BP7

PreventionGenetics, part of Exact Sciences
Classification: Likely benign for CIC-related condition. Last evaluated: 2020-08-20. Review status: no assertion criteria provided. Collection method: clinical testing. Allele origin: germline. Not counted in ClinVar's aggregate classification.
Comment: This variant is classified as likely benign based on ACMG/AMP sequence variant interpretation guidelines (Richards et al. 2015 PMID: 25741868, with internal and published modifications).